The following is an entry in ClinVar:

NM_001844.5(COL2A1):c.2946C>G (p.Ile982Met)

Gene: COL2A1 (collagen type II alpha 1 chain; minus strand). Cytogenetic location: 12q13.11.
Variant type: single nucleotide variant.
Coding change: c.2946C>G on transcript NM_001844.5 (MANE Select); coding-DNA position 2946, C replaced by G.
Protein change: p.Ile982Met; replaces isoleucine 982 with methionine.
Molecular consequence: missense variant.
Genome position (GRCh38, 1-based): chr12:47,978,348, G>C on the plus strand (C>G on the coding strand, the complement: COL2A1 is on the minus strand). VCF-style: chr12-47978348-G-C. GRCh37 (hg19) VCF-style: chr12-48372131-G-C.
Other names: c.2739C>G, p.Ile913Met (NM_033150.3); short protein forms I913M, I982M.
Identifiers: ClinVar variation 1311592 (VCV001311592.2), dbSNP rs555904044, ClinGen allele CA384541335.

ClinVar aggregate classification (germline): Uncertain significance (1 of 4 stars; one submission).

Submission:

GeneDx
Classification: Uncertain significance. Last evaluated: 2019-12-31. Review status: criteria provided, single submitter. Criteria: GeneDx Variant Classification Process June 2021. Collection method: clinical testing. Allele origin: germline. Affected: yes.
Comment: Not observed in large population cohorts (Lek et al., 2016); In silico analysis, which includes protein predictors and evolutionary conservation, supports that this variant does not alter protein structure/function; Has not been previously published as pathogenic or benign to our knowledge; Occurs in the triple helical domain at the X position in the canonical Gly-X-Y repeat. This variant may have an effect on normal protein folding and function, though missense substitution at the X position is not a common mechanism of disease.